The following is an entry in ClinVar:

ClinVar aggregate classification (germline): Uncertain significance (1 of 4 stars; one submission).

Submission:

Labcorp Genetics (formerly Invitae), Labcorp
Classification: Uncertain significance. Last evaluated: 2023-06-16. Review status: criteria provided, single submitter. Criteria: Invitae Variant Classification Sherloc (09022015). Collection method: clinical testing. Allele origin: germline.
Comment: In summary, the available evidence is currently insufficient to determine the role of this variant in disease. Therefore, it has been classified as a Variant of Uncertain Significance. Variants that disrupt the consensus splice site are a relatively common cause of aberrant splicing (PMID: 17576681, 9536098). Algorithms developed to predict the effect of sequence changes on RNA splicing suggest that this variant is not likely to affect RNA splicing. This variant has not been reported in the literature in individuals affected with POLE-related conditions. This variant is not present in population databases (gnomAD no frequency). This sequence change falls in intron 25 of the POLE gene. It does not directly change the encoded amino acid sequence of the POLE protein. It affects a nucleotide within the consensus splice site.

Literature cited by the submitters: PubMed 17576681; PubMed 9536098.

NM_006231.4(POLE):c.3060+6G>A

Gene: POLE (DNA polymerase epsilon, catalytic subunit; minus strand). Cytogenetic location: 12q24.33.
Variant type: single nucleotide variant.
Coding change: c.3060+6G>A on transcript NM_006231.4 (MANE Select); 6 bases into the intron after coding-DNA position 3060, G replaced by A.
Molecular consequence: intron variant.
Genome position (GRCh38, 1-based): chr12:132,660,963, C>T on the plus strand (G>A on the coding strand, the complement: POLE is on the minus strand). VCF-style: chr12-132660963-C-T. GRCh37 (hg19) VCF-style: chr12-133237549-C-T.
Identifiers: ClinVar variation 2795951 (VCV002795951.3), dbSNP rs2542037314, ClinGen allele CA2739277440.